The following is an entry in ClinVar:

NM_024757.5(EHMT1):c.148G>T (p.Ala50Ser)

Gene: EHMT1 (euchromatic histone lysine methyltransferase 1; plus strand). Cytogenetic location: 9q34.3.
Variant type: single nucleotide variant.
Coding change: c.148G>T on transcript NM_024757.5 (MANE Select); coding-DNA position 148, G replaced by T.
Protein change: p.Ala50Ser; replaces alanine 50 with serine.
Molecular consequence: missense variant.
Genome position (GRCh38, 1-based): chr9:137,716,688, G>T. VCF-style: chr9-137716688-G-T. GRCh37 (hg19) VCF-style: chr9-140611140-G-T.
Other names: c.148G>T, p.Ala50Ser (NM_001354263.2, NM_001354611.2, NM_001145527.2); c.55G>T, p.Ala19Ser (NM_001354612.2, NM_001354259.2); short protein forms A19S, A50S.
Identifiers: ClinVar variation 3680912 (VCV003680912.2).
Genomic context (GRCh38, chr9:137,716,688, plus strand): 5'-ACACCTATGGCTGCCGATGAAGGCTCAGCAGAGAAACAGGCAGGAGAGGCCCACATGGCT[G>T]CGGACGGTGAGACCAATGGGTCTTGTGAAAACAGCGATGCCAGCAGTCATGCAAATGCTG-3'
Protein context (NP_079033.4, residues 40-60): EKQAGEAHMA[Ala50Ser]DGETNGSCEN

ClinVar aggregate classification (germline): Uncertain significance (1 of 4 stars; one submission).

Conditions:
Kleefstra syndrome 1 (KLEFS1). Identifiers: Orphanet 261494, MedGen C0795833, MONDO:0027407, OMIM 610253.

Submission:

Labcorp Genetics (formerly Invitae), Labcorp
Classification: Uncertain significance for Kleefstra syndrome 1. Last evaluated: 2024-08-13. Review status: criteria provided, single submitter. Criteria: Invitae Variant Classification Sherloc (09022015). Collection method: clinical testing. Allele origin: germline.
Comment: This sequence change replaces alanine, which is neutral and non-polar, with serine, which is neutral and polar, at codon 50 of the EHMT1 protein (p.Ala50Ser). This variant is not present in population databases (gnomAD no frequency). This variant has not been reported in the literature in individuals affected with EHMT1-related conditions. An algorithm developed to predict the effect of missense changes on protein structure and function outputs the following: PolyPhen-2: "Benign". The serine amino acid residue is found in multiple mammalian species, which suggests that this missense change does not adversely affect protein function. In summary, the available evidence is currently insufficient to determine the role of this variant in disease. Therefore, it has been classified as a Variant of Uncertain Significance.